The following is an entry in ClinVar:

NM_001605.3(AARS1):c.2132C>G (p.Ser711Cys)

Gene: AARS1 (alanyl-tRNA synthetase 1; minus strand). Cytogenetic location: 16q22.1.
Variant type: single nucleotide variant.
Coding change: c.2132C>G on transcript NM_001605.3 (MANE Select); coding-DNA position 2132, C replaced by G.
Protein change: p.Ser711Cys; replaces serine 711 with cysteine.
Molecular consequence: missense variant.
Genome position (GRCh38, 1-based): chr16:70,258,078, G>C on the plus strand (C>G on the coding strand, the complement: AARS1 is on the minus strand). VCF-style: chr16-70258078-G-C. GRCh37 (hg19) VCF-style: chr16-70291981-G-C.
Other names: short protein forms S711C.
Identifiers: ClinVar variation 1966216 (VCV001966216.5), dbSNP rs2506996162, ClinGen allele CA396557593.

ClinVar aggregate classification (germline): Uncertain significance (1 of 4 stars; one submission).

Conditions:
Charcot-Marie-Tooth disease type 2. Also called: Charcot-Marie-Tooth type 2. Identifiers: Orphanet 64746, MedGen C0270914, MONDO:0018993.

Submission:

Labcorp Genetics (formerly Invitae), Labcorp
Classification: Uncertain significance for Charcot-Marie-Tooth disease type 2. Last evaluated: 2022-07-11. Review status: criteria provided, single submitter. Criteria: Invitae Variant Classification Sherloc (09022015). Collection method: clinical testing. Allele origin: germline.
Comment: This variant has not been reported in the literature in individuals affected with AARS-related conditions. Algorithms developed to predict the effect of missense changes on protein structure and function are either unavailable or do not agree on the potential impact of this missense change (SIFT: "Tolerated"; PolyPhen-2: "Probably Damaging"; Align-GVGD: "Class C0"). In summary, the available evidence is currently insufficient to determine the role of this variant in disease. Therefore, it has been classified as a Variant of Uncertain Significance. This variant is not present in population databases (gnomAD no frequency). This sequence change replaces serine, which is neutral and polar, with cysteine, which is neutral and slightly polar, at codon 711 of the AARS protein (p.Ser711Cys).